The following is an entry in ClinVar:

NM_000057.4(BLM):c.191A>T (p.Asp64Val)

Gene: BLM (BLM RecQ like helicase; plus strand). Cytogenetic location: 15q26.1.
Variant type: single nucleotide variant.
Coding change: c.191A>T on transcript NM_000057.4 (MANE Select); coding-DNA position 191, A replaced by T.
Protein change: p.Asp64Val; replaces aspartic acid 64 with valine.
Molecular consequence: missense variant. On other transcripts: 5 prime UTR variant (1).
Genome position (GRCh38, 1-based): chr15:90,749,459, A>T. VCF-style: chr15-90749459-A-T. GRCh37 (hg19) VCF-style: chr15-91292689-A-T.
Other names: p.D64V:GAT>GTT; c.191A>T, p.Asp64Val (NM_001287246.2, NM_001287247.2); c.-1101A>T (NM_001287248.2); c.191A>T (LRG_20t1); short protein forms D64V.
Identifiers: ClinVar variation 127479 (VCV000127479.46), dbSNP rs140382474, ClinGen allele CA243084.

ClinVar aggregate classification (germline): Conflicting classifications of pathogenicity. Review status: criteria provided, conflicting classifications (1 of 4 stars). 15 submissions from 15 submitters: Uncertain significance (10); Benign (1); Likely benign (3). 1 of the submissions does not count toward it. Last evaluated 2026-03-24.

Conditions:
Hereditary cancer-predisposing syndrome. Also called: Tumor predisposition; Hereditary neoplastic syndrome; Neoplastic Syndromes, Hereditary; Hereditary Cancer Syndrome. Identifiers: Orphanet 140162, MedGen C0027672, MeSH D009386, MONDO:0015356.
Bloom syndrome (BLM). Also called: Bloom-Torre-Machacek syndrome. Identifiers: Orphanet 125, MedGen C0005859, MONDO:0008876, OMIM 210900.

Allele frequency attached by ClinVar (database versions not stated): ESP Exome Variant Server 0.00023; gnomAD 0.00026 and 0.00027; TOPMed 0.00026; ExAC 0.00032.
gnomAD v4.1: 671 of 1,612,010 alleles (0.042%); highest among the groups gnomAD compares: Non-Finnish European, 0.055%; 1 homozygote.

Submissions (15):

Dasa
Classification: Uncertain significance. Last evaluated: 2026-03-24. Review status: criteria provided, single submitter. Criteria: DASA Assertion Criteria. Collection method: clinical testing. Allele origin: germline.
Comment: NM_000057.4(BLM):c.191A>T (p.Asp64Val) is a missense variant that results in the substitution of aspartic acid with valine. This variant is rare in population databases. The currently available literature and clinical evidence are not sufficient to establish a definitive association between this variant and the reported condition. Therefore, this variant is classified as a variant of uncertain significance.

Labcorp Genetics (formerly Invitae), Labcorp
Classification: Benign for Bloom syndrome. Last evaluated: 2026-02-02. Review status: criteria provided, single submitter. Criteria: Invitae Variant Classification Sherloc (09022015). Collection method: clinical testing. Allele origin: germline.

St. Jude Molecular Pathology, St. Jude Children's Research Hospital
Classification: Uncertain significance for Bloom syndrome. Last evaluated: 2025-06-17. Review status: criteria provided, single submitter. Criteria: St. Jude Assertion Criteria 2020. Collection method: clinical testing. Allele origin: germline.
Comment: The BLM c.191A>T p.(Asp64Val) missense change has a maximum subpopulation frequency of 0.054% in gnomAD v2.1.1, including one homozygote. The in silico tool REVEL is inconclusive about a pathogenic or benign effect of this variant on protein function, and to our knowledge functional studies have not been performed. This variant has been identified in 2 of 1358 non-cancer control individuals in a study of individuals with multiple primary cancers (PMID: 29641532). To our knowledge, this variant has not been reported in individuals with Bloom syndrome. In summary, the evidence currently available is insufficient to determine the clinical significance of this variant. It has therefore been classified as of uncertain significance.

GeneDx
Classification: Uncertain significance. Last evaluated: 2025-05-02. Review status: criteria provided, single submitter. Criteria: GeneDx Variant Classification Process June 2021. Collection method: clinical testing. Allele origin: germline. Affected: yes.
Comment: In silico analysis supports that this missense variant has a deleterious effect on protein structure/function; Identified in individuals with a personal history of breast, colorectal, or other cancers (PMID: 31159747, 30613976, 33606809, 28944238, 26580448); This variant is associated with the following publications: (PMID: 26580448, 30613976, 28944238, 31937788, 33606809, 31159747)

Blueprint Genetics
Classification: Likely benign. Last evaluated: 2024-10-30. Review status: criteria provided, single submitter. Criteria: ACMG Guidelines, 2015. Collection method: clinical testing. Allele origin: germline.

Quest Diagnostics Nichols Institute San Juan Capistrano
Classification: Likely benign. Last evaluated: 2023-07-11. Review status: criteria provided, single submitter. Criteria: Quest Diagnostics criteria. Collection method: clinical testing. Allele origin: unknown.

Women's Health and Genetics/Laboratory Corporation of America, LabCorp
Classification: Uncertain significance. Last evaluated: 2022-05-11. Review status: criteria provided, single submitter. Criteria: LabCorp Variant Classification Summary - May 2015. Collection method: clinical testing. Allele origin: germline.
Comment: Variant summary: BLM c.191A>T (p.Asp64Val) results in a non-conservative amino acid change located in the Bloom syndrome protein, N-terminal domain (IPR032437) of the encoded protein sequence. Four of five in-silico tools predict a damaging effect of the variant on protein function. The variant allele was found at a frequency of 0.00024 in 250804 control chromosomes, predominantly at a frequency of 0.0005 within the Non-Finnish European subpopulation in the gnomAD database, including 1 homozygote. This frequency is not significantly higher than expected for a pathogenic variant in BLM causing Bloom Syndrome (0.00024 vs 0.0035), allowing no conclusion about variant significance. c.191A>T has been reported in the literature in individuals affected with autosomal dominant cancer-predisposition syndromes, breast and/or ovarian cancer (Zhang_2015, Rizzolo_2019, Tsaousis_2019, Sandoval_2021). These reports do not provide unequivocal conclusions about association of the variant with Bloom Syndrome. To our knowledge, no experimental evidence demonstrating an impact on protein function has been reported. Eleven ClinVar submitters (evaluation after 2014) cite the variant as uncertain significance (n=7), likely benign (n=3) and benign (n=1). Based on the evidence outlined above, the variant was classified as uncertain significance.

Sema4
Classification: Uncertain significance for Hereditary cancer-predisposing syndrome. Last evaluated: 2022-03-03. Review status: criteria provided, single submitter. Criteria: Sema4 Curation Guidelines. Collection method: curation. Allele origin: germline.
Comment: The BLM c.191A>T (p.D64V) variant has been reported in heterozygosity in at least 3 individuals with a personal or family history of hereditary breast and/or ovarian cancer and colorectal cancer (PMID: 31159747, 30613976, 28944238). This variant was observed in 69/128842 chromosomes in the European (non-Finnish) population, with 1 homozygote, according to the Genome Aggregation Database (PMID: 32461654). This variant has been reported in ClinVar (Variation ID: 127479). Functional studies have not been performed, and in silico predictions of the variant's effect on protein function are inconclusive. The overall evidence is inconsistent with ACMG/AMP requirements for a classification of benign or pathogenic. In summary, the clinical significance of this variant is currently uncertain.

Institute for Clinical Genetics, University Hospital TU Dresden, University Hospital TU Dresden
Classification: Uncertain significance. Last evaluated: 2021-11-03. Review status: criteria provided, single submitter. Criteria: ACMG Guidelines, 2015. Collection method: clinical testing. Allele origin: germline.

Genome-Nilou Lab
Classification: Uncertain significance for Bloom syndrome. Last evaluated: 2021-05-18. Review status: criteria provided, single submitter. Criteria: ACMG Guidelines, 2015. Collection method: clinical testing. Allele origin: germline. Affected: no.

GeneKor MSA
Classification: Uncertain significance for Hereditary cancer-predisposing syndrome. Last evaluated: 2018-08-01. Review status: criteria provided, single submitter. Criteria: ACMG Guidelines, 2015. Collection method: clinical testing. Allele origin: germline.

Ambry Genetics
Classification: Likely benign for Hereditary cancer-predisposing syndrome. Last evaluated: 2018-06-13. Review status: criteria provided, single submitter. Criteria: Ambry Variant Classification Scheme 2023. Collection method: clinical testing. Allele origin: germline.

Fulgent Genetics
Classification: Uncertain significance for Bloom syndrome. Last evaluated: 2017-05-23. Review status: criteria provided, single submitter. Criteria: ACMG Guidelines, 2015. Collection method: clinical testing. Allele origin: unknown.

Eurofins Ntd Llc (ga)
Classification: Uncertain significance. Last evaluated: 2015-04-24. Review status: criteria provided, single submitter. Criteria: EGL Classification Definitions 2015. Collection method: clinical testing. Allele origin: germline. Observed: 1 variant allele, 1 heterozygote.

Natera, Inc.
Classification: Benign for Bloom syndrome. Last evaluated: 2019-08-06. Review status: no assertion criteria provided. Collection method: clinical testing. Allele origin: germline. Not counted in ClinVar's aggregate classification.

Literature cited by the submitters: PubMed 31159747 (cited by 3 submitters); PubMed 30613976 (cited by 3 submitters); PubMed 33606809 (cited by Quest Diagnostics Nichols Institute San Juan Capistrano and Women's Health and Genetics/Laboratory Corporation of America, LabCorp); PubMed 26580448 (cited by Women's Health and Genetics/Laboratory Corporation of America, LabCorp); PubMed 31937788 (cited by Women's Health and Genetics/Laboratory Corporation of America, LabCorp); PubMed 28944238 (cited by Sema4).